The following is an entry in ClinVar:

NM_004006.3(DMD):c.7723T>C (p.Leu2575=)

Gene: DMD (dystrophin; minus strand). Cytogenetic location: Xp21.1.
Variant type: single nucleotide variant.
Coding change: c.7723T>C on transcript NM_004006.3 (MANE Select); coding-DNA position 7723, T replaced by C.
Protein change: p.Leu2575=; no amino-acid change (leucine 2575 retained).
Molecular consequence: synonymous variant.
Genome position (GRCh38, 1-based): chrX:31,679,524, A>G on the plus strand (T>C on the coding strand, the complement: DMD is on the minus strand). VCF-style: chrX-31679524-A-G. GRCh37 (hg19) VCF-style: chrX-31697641-A-G.
Other names: c.7723T>C (NM_004006.2); c.7699T>C, p.Leu2567= (NM_000109.4); c.7711T>C, p.Leu2571= (NM_004009.3); c.7354T>C, p.Leu2452= (NM_004010.3); c.3700T>C, p.Leu1234= (NM_004011.4); c.3691T>C, p.Leu1231= (NM_004012.4); c.343T>C, p.Leu115= (NM_004013.3, NM_004020.4, NM_004021.3 and 2 more transcripts).
Identifiers: ClinVar variation 1105217 (VCV001105217.10), dbSNP rs2148733773, ClinGen allele CA515859254.

ClinVar aggregate classification (germline): Likely benign. Review status: criteria provided, single submitter (1 of 4 stars). 2 submissions from 2 submitters: Likely benign (1). 1 of the submissions does not count toward it. Last evaluated 2023-02-24.

Conditions:
DMD-related disorder. Also called: DMD-related condition.
Duchenne muscular dystrophy (DMD). Also called: Duchenne Muscular Dystrophy (DMD); MUSCULAR DYSTROPHY, PSEUDOHYPERTROPHIC PROGRESSIVE, DUCHENNE TYPE. Identifiers: Orphanet 98896, MedGen C0013264, MONDO:0010679, OMIM 310200.

gnomAD v4.1: 1 of 1,211,424 alleles (0.000083%); highest among the groups gnomAD compares: African/African-American, 0.0017%; no homozygotes.

Submissions (2):

Labcorp Genetics (formerly Invitae), Labcorp
Classification: Likely benign for Duchenne muscular dystrophy. Last evaluated: 2023-02-24. Review status: criteria provided, single submitter. Criteria: Invitae Variant Classification Sherloc (09022015). Collection method: clinical testing. Allele origin: germline.

PreventionGenetics, part of Exact Sciences
Classification: Likely benign for DMD-related condition. Last evaluated: 2024-06-27. Review status: no assertion criteria provided. Collection method: clinical testing. Allele origin: germline. Not counted in ClinVar's aggregate classification.
Comment: This variant is classified as likely benign based on ACMG/AMP sequence variant interpretation guidelines (Richards et al. 2015 PMID: 25741868, with internal and published modifications).